The following is an entry in ClinVar:

NM_021870.3(FGG):c.*496A>C

Gene: FGG (fibrinogen gamma chain; minus strand). Cytogenetic location: 4q32.1.
Variant type: single nucleotide variant.
Coding change: c.*496A>C on transcript NM_021870.3 (MANE Select); 496 bases downstream of the stop codon, A replaced by C.
Molecular consequence: 3 prime UTR variant.
Genome position (GRCh38, 1-based): chr4:154,604,338, T>G on the plus strand (A>C on the coding strand, the complement: FGG is on the minus strand). VCF-style: chr4-154604338-T-G. GRCh37 (hg19) VCF-style: chr4-155525490-T-G.
Other names: c.*2A>C (NM_000509.6, NM_000509.5).
Identifiers: ClinVar variation 902205 (VCV000902205.10), dbSNP rs187316301, ClinGen allele CA3115433.

ClinVar aggregate classification (germline): Conflicting classifications of pathogenicity. Review status: criteria provided, conflicting classifications (1 of 4 stars). 5 submissions from 5 submitters: Uncertain significance (1); Benign (1); Likely benign (2). 1 of the submissions does not count toward it. Last evaluated 2024-11-27.

Conditions:
FGG-related disorder. Also called: FGG-related condition.
Congenital afibrinogenemia. Identifiers: Orphanet 335, Orphanet 98880, MedGen C2584774, MONDO:0008737, OMIM 202400.

Allele frequency attached by ClinVar (database versions not stated): 1000 Genomes Project 30x 0.00172; gnomAD exomes 0.00172 and 0.00322; 1000 Genomes Project 0.00180; ExAC 0.00247; ESP Exome Variant Server 0.00260; gnomAD 0.00262 and 0.00268; TOPMed 0.00308.

Submissions (5):

Women's Health and Genetics/Laboratory Corporation of America, LabCorp
Classification: Benign. Last evaluated: 2024-11-27. Review status: criteria provided, single submitter. Criteria: LabCorp Variant Classification Summary - May 2015. Collection method: clinical testing. Allele origin: germline.
Comment: Variant summary: FGG c.*496A>C is located in the untranslated mRNA region downstream of the termination codon. The variant allele was found at a frequency of 0.0017 in 133930 control chromosomes, predominantly at a frequency of 0.003 within the Non-Finnish European subpopulation in the gnomAD database. The observed variant frequency within Non-Finnish European control individuals in the gnomAD database exceeds the estimated maximal expected allele frequency for a pathogenic variant in FGG causing Congenital Dysfibrinogenemia phenotype. To our knowledge, no occurrence of c.*496A>C in individuals affected with Congenital Dysfibrinogenemia and no experimental evidence demonstrating its impact on protein function have been reported. ClinVar contains an entry for this variant (Variation ID: 902205). Based on the evidence outlined above, the variant was classified as benign.

Blueprint Genetics
Classification: Likely benign. Last evaluated: 2024-11-20. Review status: criteria provided, single submitter. Criteria: ACMG Guidelines, 2015. Collection method: clinical testing. Allele origin: germline.

Mayo Clinic Laboratories, Mayo Clinic
Classification: Likely benign. Last evaluated: 2024-06-17. Review status: criteria provided, single submitter. Criteria: ACMG Guidelines, 2015. Collection method: clinical testing. Allele origin: germline. Observed: 5 variant alleles.
Comment: BS1, BP4, BP7

Illumina Laboratory Services, Illumina
Classification: Uncertain significance for Congenital afibrinogenemia. Last evaluated: 2018-01-13. Review status: criteria provided, single submitter. Criteria: ICSL Variant Classification Criteria 13 December 2019. Collection method: clinical testing. Allele origin: germline.

PreventionGenetics, part of Exact Sciences
Classification: Likely benign for FGG-related condition. Last evaluated: 2020-03-02. Review status: no assertion criteria provided. Collection method: clinical testing. Allele origin: germline. Not counted in ClinVar's aggregate classification.
Comment: This variant is classified as likely benign based on ACMG/AMP sequence variant interpretation guidelines (Richards et al. 2015 PMID: 25741868, with internal and published modifications).

Literature cited by the submitters: PubMed 28444748 (cited by Mayo Clinic Laboratories, Mayo Clinic).